The following is an entry in ClinVar:

ClinVar aggregate classification (germline): Uncertain significance (1 of 4 stars; one submission).

Conditions:
Cardiovascular phenotype. Identifiers: MedGen CN230736.

Submission:

Ambry Genetics
Classification: Uncertain significance for Cardiovascular phenotype. Last evaluated: 2026-03-12. Review status: criteria provided, single submitter. Criteria: Ambry Variant Classification Scheme 2023. Collection method: clinical testing. Allele origin: germline.
Comment: The p.H3009Y variant (also known as c.9025C>T), located in coding exon 2 of the ZNF469 gene, results from a C to T substitution at nucleotide position 9025. The histidine at codon 3009 is replaced by tyrosine, an amino acid with similar properties. This amino acid position is conserved. In addition, this alteration is predicted to be tolerated by in silico analysis. Based on the available evidence, the clinical significance of this variant remains unclear.

NM_001127464.1:c.9025C>T

Gene: ZNF469 (zinc finger protein 469; plus strand).
Variant type: single nucleotide variant.
Identifiers: ClinVar variation 4826336 (VCV004826336.1).